The following is an entry in ClinVar:

ClinVar aggregate classification (germline): Likely benign (1 of 4 stars; one submission).

Allele frequency attached by ClinVar (database versions not stated): gnomAD exomes 0.00001 and 0.00003; gnomAD 0.00002 and 0.00003; TOPMed 0.00004.
gnomAD v4.1: 22 of 1,512,106 alleles (0.0015%); highest among the groups gnomAD compares: African/African-American, 0.0042%; no homozygotes.

Submission:

GeneDx
Classification: Likely benign. Last evaluated: 2017-04-18. Review status: criteria provided, single submitter. Criteria: GeneDx Variant Classification (06012015). Collection method: clinical testing. Allele origin: germline. Affected: yes.
Comment: This variant is considered likely benign or benign based on one or more of the following criteria: it is a conservative change, it occurs at a poorly conserved position in the protein, it is predicted to be benign by multiple in silico algorithms, and/or has population frequency not consistent with disease.

NM_000238.4(KCNH2):c.1128+1740G>A

Gene: KCNH2 (potassium voltage-gated channel subfamily H member 2; minus strand). Cytogenetic location: 7q36.1.
Variant type: single nucleotide variant.
Coding change: c.1128+1740G>A on transcript NM_000238.4 (MANE Select); 1740 bases into the intron after coding-DNA position 1128, G replaced by A.
Molecular consequence: intron variant. On other transcripts: 5 prime UTR variant (2), non-coding transcript variant (1).
Genome position (GRCh38, 1-based): chr7:150,955,551, C>T on the plus strand (G>A on the coding strand, the complement: KCNH2 is on the minus strand). VCF-style: chr7-150955551-C-T. GRCh37 (hg19) VCF-style: chr7-150652639-C-T.
Other names: c.-48G>A (NM_001204798.2, NM_172057.3); c.840+1740G>A (NM_001406753.1, NM_001406756.1); c.1128+1740G>A (NM_172056.3); c.951+1740G>A (NM_001406755.1); c.828+1740G>A (NM_001406757.1).
Identifiers: ClinVar variation 508913 (VCV000508913.3), dbSNP rs967724942, ClinGen allele CA169079913.
Genomic context (GRCh38, chr7:150,955,551, plus strand): 5'-CTGGGGCCGCCATGGAGGACTTGGCTCCCTGCAGCCTGCCTGCCCTGGGGCCTGAGGGCC[C>T]GGCCACTGCCTCACCTGCACCCCAGCAGCAGTCCCAGCCCAGGCTGCACCCCCGAGGCTG-3'